The following is an entry in ClinVar:

NM_001035.3(RYR2):c.10826A>G (p.Tyr3609Cys)

Gene: RYR2 (ryanodine receptor 2; plus strand). Cytogenetic location: 1q43.
Variant type: single nucleotide variant.
Coding change: c.10826A>G on transcript NM_001035.3 (MANE Select); coding-DNA position 10826, A replaced by G.
Protein change: p.Tyr3609Cys; replaces tyrosine 3609 with cysteine.
Molecular consequence: missense variant.
Genome position (GRCh38, 1-based): chr1:237,727,187, A>G. VCF-style: chr1-237727187-A-G. GRCh37 (hg19) VCF-style: chr1-237890487-A-G.
Other names: short protein forms Y3609C.
Identifiers: ClinVar variation 955266 (VCV000955266.9), dbSNP rs747372037, ClinGen allele CA084539.

ClinVar aggregate classification (germline): Uncertain significance. Review status: criteria provided, multiple submitters, no conflicts (2 of 4 stars). 2 submissions from 2 submitters: Uncertain significance (2). Last evaluated 2024-08-05.

Conditions:
Catecholaminergic polymorphic ventricular tachycardia 1. Also called: VENTRICULAR TACHYCARDIA, STRESS-INDUCED POLYMORPHIC 1; RYR2-Related Catecholaminergic Polymorphic Ventricular Tachycardia; VENTRICULAR TACHYCARDIA, CATECHOLAMINERGIC POLYMORPHIC, 1, WITH OR WITHOUT ATRIAL DYSFUNCTION AND/OR DILATED CARDIOMYOPATHY. Identifiers: Orphanet 3286, MedGen C1631597, MONDO:0011484, OMIM 604772.

Allele frequency attached by ClinVar (database versions not stated): gnomAD exomes below 0.00001; ExAC 0.00001; gnomAD 0.00001.
gnomAD v4.1: 2 of 1,528,856 alleles (0.00013%); highest among the groups gnomAD compares: African/African-American, 0.0014%; no homozygotes.

Submissions (2):

GeneDx
Classification: Uncertain significance. Last evaluated: 2024-08-05. Review status: criteria provided, single submitter. Criteria: GeneDx Variant Classification Process June 2021. Collection method: clinical testing. Allele origin: germline. Affected: yes.
Comment: Not observed at significant frequency in large population cohorts (gnomAD); In silico analysis supports that this missense variant has a deleterious effect on protein structure/function; Has not been previously published as pathogenic or benign to our knowledge; Not located in one of the three hot-spot regions of the RYR2 gene, where the majority of pathogenic missense variants occur (PMID: 19926015)

Labcorp Genetics (formerly Invitae), Labcorp
Classification: Uncertain significance for Catecholaminergic polymorphic ventricular tachycardia 1. Last evaluated: 2021-09-01. Review status: criteria provided, single submitter. Criteria: Invitae Variant Classification Sherloc (09022015). Collection method: clinical testing. Allele origin: germline.
Comment: This sequence change replaces tyrosine with cysteine at codon 3609 of the RYR2 protein (p.Tyr3609Cys). The tyrosine residue is highly conserved and there is a large physicochemical difference between tyrosine and cysteine. The frequency data for this variant in the population databases is considered unreliable, as metrics indicate poor data quality at this position in the ExAC database. This variant has not been reported in the literature in individuals affected with RYR2-related conditions. Algorithms developed to predict the effect of missense changes on protein structure and function are either unavailable or do not agree on the potential impact of this missense change (SIFT: "Deleterious"; PolyPhen-2: "Benign"; Align-GVGD: "Class C65"). In summary, the available evidence is currently insufficient to determine the role of this variant in disease. Therefore, it has been classified as a Variant of Uncertain Significance.